The following is an entry in ClinVar:

NM_000202.8(IDS):c.363G>C (p.Gln121His)

Gene: IDS (iduronate 2-sulfatase; minus strand). Cytogenetic location: Xq28.
Variant type: single nucleotide variant.
Coding change: c.363G>C on transcript NM_000202.8 (MANE Select); coding-DNA position 363, G replaced by C.
Protein change: p.Gln121His; replaces glutamine 121 with histidine.
Molecular consequence: missense variant. On other transcripts: non-coding transcript variant (1).
Genome position (GRCh38, 1-based): chrX:149,503,367, C>G on the plus strand (G>C on the coding strand, the complement: IDS is on the minus strand). VCF-style: chrX-149503367-C-G. GRCh37 (hg19) VCF-style: chrX-148584897-C-G.
Other names: c.93G>C, p.Gln31His (NM_001166550.4); c.363G>C, p.Gln121His (NM_006123.5); short protein forms Q121H, Q31H.
Identifiers: ClinVar variation 3255688 (VCV003255688.2).

ClinVar aggregate classification (germline): Likely pathogenic (1 of 4 stars; one submission).

Conditions:
Mucopolysaccharidosis, MPS-II (MPS2). Also called: Hunter Syndrome; IDURONATE 2-SULFATASE DEFICIENCY; Mucopolysaccharidosis Type II; Mucopolysaccharidosis type 2; Attenuated MPS (subtype; formerly known as mild MPS II); Severe MPS II. Identifiers: Orphanet 580, Orphanet 79388, MedGen C0026705, MONDO:0010674, OMIM 309900.

Submission:

Laboratory of Diagnosis and Therapy of Lysosomal Disorders, University of Padova
Classification: Likely pathogenic for Mucopolysaccharidosis, MPS-II. Last evaluated: 2024-06-07. Review status: criteria provided, single submitter. Criteria: ACMG Guidelines, 2015. Collection method: literature only. Allele origin: germline. Affected: yes. Observed: 1 variant allele.
Comment: De novo (PS2_Moderate), Absent from controls (or at low frequency) in gnomAD database (PM2_Moderate), Missense variant in a gene with a low rate of benign missense variation (PP2_Supporting), Multiple lines of computational evidence support a deleterious effect (PP3_Supporting), Patient’s phenotype or family history highly specific for the disease (PP4_Moderate)

Classification method: ACMG Guidelines [PMID:25741868] with modifications

Literature cited by the submitters: PubMed 9266380.